The following is an entry in ClinVar:

ClinVar aggregate classification (germline): Pathogenic (1 of 4 stars; one submission).

Conditions:
Hypoparathyroidism, deafness, renal disease syndrome (HDRS). Also called: HYPOPARATHYROIDISM, SENSORINEURAL DEAFNESS, AND RENAL DYSPLASIA SYNDROME. Identifiers: Orphanet 2237, MedGen C1840333, MONDO:0007797, OMIM 146255.

Submission:

MVZ Medizinische Genetik Mainz
Classification: Pathogenic for Hypoparathyroidism, deafness, renal disease syndrome. Last evaluated: 2024-08-08. Review status: criteria provided, single submitter. Criteria: UK Practice Guidelines For Variant Classification V4 01 2020. Collection method: clinical testing. Allele origin: germline. Inheritance: Autosomal dominant inheritance. Affected: yes. Observed: 1 variant allele.
Comment: ACMG Criteria: PVS1,PM2_SUP,PP4

NM_001002295.2(GATA3):c.425C>A (p.Ser142Ter)

Gene: GATA3 (GATA binding protein 3; plus strand). Cytogenetic location: 10p14.
Variant type: single nucleotide variant.
Coding change: c.425C>A on transcript NM_001002295.2 (MANE Select); coding-DNA position 425, C replaced by A.
Protein change: p.Ser142Ter; replaces serine 142 with a stop codon.
Molecular consequence: nonsense.
Genome position (GRCh38, 1-based): chr10:8,058,488, C>A. VCF-style: chr10-8058488-C-A. GRCh37 (hg19) VCF-style: chr10-8100451-C-A.
Other names: c.425C>A, p.Ser142Ter (NM_002051.3); short protein forms S142*.
Identifiers: ClinVar variation 3338395 (VCV003338395.1).
Genomic context (GRCh38, chr10:8,058,488, plus strand): 5'-TCCACCACGGCTCCCCGGGGCCCCTCTCCGTCTACCCCCCGGCCTCGTCCTCCTCCTTGT[C>A]GGGGGGCCACGCCAGCCCGCACCTCTTCACCTTCCCGCCCACCCCGCCGAAGGACGTCTC-3'